The following is an entry in ClinVar:

NM_194454.3(KRIT1):c.1739del (p.Asn580fs)

Gene: KRIT1 (KRIT1 ankyrin repeat containing; minus strand). Cytogenetic location: 7q21.2.
Variant type: Deletion.
Coding change: c.1739del on transcript NM_194454.3 (MANE Select); coding-DNA position 1739, one base deleted (A; older notation c.1739delA).
Protein change: p.Asn580fs; shifts the reading frame from asparagine 580.
Molecular consequence: frameshift variant.
Genome position (GRCh38, 1-based): chr7:92,213,971, T deleted on the plus strand (A on the coding strand, the reverse complement: KRIT1 is on the minus strand); the first of 4 consecutive T bases (chr7:92,213,971-92,213,974); deleting any one gives the same sequence. VCF-style (leftmost placement, unchanged base first): chr7-92213970-AT-A. GRCh37 (hg19) VCF-style: chr7-91843284-AT-A.
Other names: c.1739delA (NM_194456.1); c.1595del, p.Asn532fs (NM_001013406.2, NM_001350669.1, NM_001350670.1); c.1025del, p.Asn342fs (NM_001350671.1); c.1739del, p.Asn580fs (NM_001350672.1, NM_001350673.1, NM_001350674.1 and 26 more transcripts); short protein forms N342fs, N580fs, N532fs.
Identifiers: ClinVar variation 590720 (VCV000590720.4), dbSNP rs1563243016, ClinGen allele CA891862786.

ClinVar aggregate classification (germline): Pathogenic/Likely pathogenic. Review status: criteria provided, multiple submitters, no conflicts (2 of 4 stars). 2 submissions from 2 submitters: Pathogenic (1); Likely pathogenic (1). Last evaluated 2024-02-14.

Conditions:
Cerebral cavernous malformation (CCM). Also called: Cavernous Hemangioma of Brain; Cerebral cavernous hemangioma (type); Cerebral cavernous malformations; CAVERNOUS ANGIOMA, FAMILIAL; CAVERNOUS ANGIOMATOUS MALFORMATIONS; CEREBRAL CAPILLARY MALFORMATIONS. Identifiers: Orphanet 221061, MedGen C2919945, MONDO:0000820, OMIM 116860, HP:0033522.

Submissions (2):

Labcorp Genetics (formerly Invitae), Labcorp
Classification: Pathogenic for Cerebral cavernous malformation. Last evaluated: 2024-02-14. Review status: criteria provided, single submitter. Criteria: Invitae Variant Classification Sherloc (09022015). Collection method: clinical testing. Allele origin: germline.
Comment: This sequence change creates a premature translational stop signal (p.Asn580Ilefs*2) in the KRIT1 gene. It is expected to result in an absent or disrupted protein product. Loss-of-function variants in KRIT1 are known to be pathogenic (PMID: 10508515, 11222804, 12404106, 24689081). This variant is not present in population databases (gnomAD no frequency). This premature translational stop signal has been observed in individual(s) with cerebral cavernous malformations (PMID: 32434131). ClinVar contains an entry for this variant (Variation ID: 590720). For these reasons, this variant has been classified as Pathogenic.

PreventionGenetics, part of Exact Sciences
Classification: Likely pathogenic. Last evaluated: 2018-03-26. Review status: criteria provided, single submitter. Criteria: ACMG Guidelines, 2015. Collection method: clinical testing. Allele origin: germline.

Literature cited by the submitters: PubMed 10508515 (cited by Labcorp Genetics (formerly Invitae), Labcorp); PubMed 11222804 (cited by Labcorp Genetics (formerly Invitae), Labcorp); PubMed 12404106 (cited by Labcorp Genetics (formerly Invitae), Labcorp); PubMed 24689081 (cited by Labcorp Genetics (formerly Invitae), Labcorp); PubMed 32434131 (cited by Labcorp Genetics (formerly Invitae), Labcorp).